The following is an entry in ClinVar:

NM_201384.3(PLEC):c.13035G>A (p.Met4345Ile)

Gene: PLEC (plectin; minus strand). Cytogenetic location: 8q24.3.
Variant type: single nucleotide variant.
Coding change: c.13035G>A on transcript NM_201384.3 (MANE Select); coding-DNA position 13035, G replaced by A.
Protein change: p.Met4345Ile; replaces methionine 4345 with isoleucine.
Molecular consequence: missense variant.
Genome position (GRCh38, 1-based): chr8:143,916,786, C>T on the plus strand (G>A on the coding strand, the complement: PLEC is on the minus strand). VCF-style: chr8-143916786-C-T. GRCh37 (hg19) VCF-style: chr8-144990954-C-T.
Other names: c.13116G>A, p.Met4372Ile (NM_000445.5); c.12993G>A, p.Met4331Ile (NM_201378.4); c.12969G>A, p.Met4323Ile (NM_201379.3); c.13446G>A, p.Met4482Ile (NM_201380.4); c.12939G>A, p.Met4313Ile (NM_201381.3); c.13035G>A, p.Met4345Ile (NM_201382.4); c.13047G>A, p.Met4349Ile (NM_201383.3); short protein forms M4313I, M4323I, M4331I, M4345I, M4349I, M4372I, M4482I.
Identifiers: ClinVar variation 1312339 (VCV001312339.2), dbSNP rs2130811775, ClinGen allele CA372477184.

ClinVar aggregate classification (germline): Uncertain significance (1 of 4 stars; one submission).

Allele frequency attached by ClinVar (database versions not stated): gnomAD exomes below 0.00001.
gnomAD v4.1: 1 of 1,613,312 alleles (0.000062%); highest among the groups gnomAD compares: Non-Finnish European, 0.000085%; no homozygotes.

Submission:

GeneDx
Classification: Uncertain significance. Last evaluated: 2019-09-19. Review status: criteria provided, single submitter. Criteria: GeneDx Variant Classification Process June 2021. Collection method: clinical testing. Allele origin: germline. Affected: yes.
Comment: Not observed in large population cohorts (Lek et al., 2016); In silico analysis, which includes protein predictors and evolutionary conservation, supports that this variant does not alter protein structure/function; Has not been previously published as pathogenic or benign to our knowledge